The following is an entry in ClinVar:

ClinVar aggregate classification (germline): Uncertain significance (1 of 4 stars; one submission).

Allele frequency attached by ClinVar (database versions not stated): ExAC 0.00001; gnomAD 0.00001; ESP Exome Variant Server 0.00008.
gnomAD v4.1: 2 of 1,614,076 alleles (0.00012%); highest among the groups gnomAD compares: African/African-American, 0.0027%; no homozygotes.

Submission:

Labcorp Genetics (formerly Invitae), Labcorp
Classification: Uncertain significance. Last evaluated: 2022-10-19. Review status: criteria provided, single submitter. Criteria: Invitae Variant Classification Sherloc (09022015). Collection method: clinical testing. Allele origin: germline.
Comment: This sequence change replaces isoleucine, which is neutral and non-polar, with valine, which is neutral and non-polar, at codon 1154 of the POLR1A protein (p.Ile1154Val). This variant is present in population databases (rs372309163, gnomAD no frequency). In summary, the available evidence is currently insufficient to determine the role of this variant in disease. Therefore, it has been classified as a Variant of Uncertain Significance. Advanced modeling of protein sequence and biophysical properties (such as structural, functional, and spatial information, amino acid conservation, physicochemical variation, residue mobility, and thermodynamic stability) performed at Invitae indicates that this missense variant is not expected to disrupt POLR1A protein function. This variant has not been reported in the literature in individuals affected with POLR1A-related conditions.

NM_015425.6(POLR1A):c.3460A>G (p.Ile1154Val)

Gene: POLR1A (RNA polymerase I subunit A; minus strand). Cytogenetic location: 2p11.2.
Variant type: single nucleotide variant.
Coding change: c.3460A>G on transcript NM_015425.6 (MANE Select); coding-DNA position 3460, A replaced by G.
Protein change: p.Ile1154Val; replaces isoleucine 1154 with valine.
Molecular consequence: missense variant.
Genome position (GRCh38, 1-based): chr2:86,042,001, T>C on the plus strand (A>G on the coding strand, the complement: POLR1A is on the minus strand). VCF-style: chr2-86042001-T-C. GRCh37 (hg19) VCF-style: chr2-86269124-T-C.
Other names: short protein forms I1154V.
Identifiers: ClinVar variation 1721884 (VCV001721884.5), dbSNP rs372309163, ClinGen allele CA1745763.